The following is an entry in ClinVar:

NM_015915.5(ATL1):c.19G>A (p.Asp7Asn)

Genes: ATL1 (atlastin GTPase 1; plus strand), MAP4K5 (mitogen-activated protein kinase kinase kinase kinase 5; minus strand). Cytogenetic location: 14q22.1.
Variant type: single nucleotide variant.
Coding change: c.19G>A on transcript NM_015915.5 (MANE Select); coding-DNA position 19, G replaced by A.
Protein change: p.Asp7Asn; replaces aspartic acid 7 with asparagine.
Molecular consequence: missense variant.
Genome position (GRCh38, 1-based): chr14:50,560,284, G>A. VCF-style: chr14-50560284-G-A. GRCh37 (hg19) VCF-style: chr14-51027002-G-A.
Other names: c.19G>A, p.Asp7Asn (NM_001127713.1, NM_181598.4); short protein forms D7N.
Identifiers: ClinVar variation 1308072 (VCV001308072.3), dbSNP rs2038819987, ClinGen allele CA389659765.

ClinVar aggregate classification (germline): Uncertain significance (1 of 4 stars; one submission).

Allele frequency attached by ClinVar (database versions not stated): TOPMed below 0.00001.

Submission:

GeneDx
Classification: Uncertain significance. Last evaluated: 2024-11-15. Review status: criteria provided, single submitter. Criteria: GeneDx Variant Classification Process June 2021. Collection method: clinical testing. Allele origin: germline. Affected: yes.
Comment: Not observed at significant frequency in large population cohorts (gnomAD); In silico analysis supports that this missense variant has a deleterious effect on protein structure/function; Has not been previously published as pathogenic or benign to our knowledge; This variant is associated with the following publications: (PMID: 23334294)